The following is an entry in ClinVar:

ClinVar aggregate classification (germline): Pathogenic (1 of 4 stars; one submission).

Conditions:
Glycogen storage disease IXb (GSD9B). Also called: GLYCOGENOSIS OF LIVER AND MUSCLE, AUTOSOMAL RECESSIVE; GSD IXb; PHOSPHORYLASE KINASE DEFICIENCY OF LIVER AND MUSCLE, AUTOSOMAL RECESSIVE. Identifiers: Orphanet 79240, MedGen C0543514, MONDO:0009868, OMIM 261750.

Submission:

Labcorp Genetics (formerly Invitae), Labcorp
Classification: Pathogenic for Glycogen storage disease IXb. Last evaluated: 2023-11-10. Review status: criteria provided, single submitter. Criteria: Invitae Variant Classification Sherloc (09022015). Collection method: clinical testing. Allele origin: germline.
Comment: This sequence change creates a premature translational stop signal (p.Glu43*) in the PHKB gene. It is expected to result in an absent or disrupted protein product. Loss-of-function variants in PHKB are known to be pathogenic (PMID: 9215682, 9326319). This variant is not present in population databases (gnomAD no frequency). This variant has not been reported in the literature in individuals affected with PHKB-related conditions. For these reasons, this variant has been classified as Pathogenic.

Literature cited by the submitters: PubMed 9215682; PubMed 9326319.

NM_000293.3(PHKB):c.127G>T (p.Glu43Ter)

Gene: PHKB (phosphorylase kinase regulatory subunit beta; plus strand). Cytogenetic location: 16q12.1.
Variant type: single nucleotide variant.
Coding change: c.127G>T on transcript NM_000293.3 (MANE Select); coding-DNA position 127, G replaced by T.
Protein change: p.Glu43Ter; replaces glutamic acid 43 with a stop codon.
Molecular consequence: nonsense.
Genome position (GRCh38, 1-based): chr16:47,497,449, G>T. VCF-style: chr16-47497449-G-T. GRCh37 (hg19) VCF-style: chr16-47531360-G-T.
Other names: c.106G>T, p.Glu36Ter (NM_001031835.3); c.127G>T, p.Glu43Ter (NM_001363837.1); short protein forms E36*, E43*.
Identifiers: ClinVar variation 2694652 (VCV002694652.3), dbSNP rs2548334893, ClinGen allele CA396097662.